The following is an entry in ClinVar:

ClinVar aggregate classification (germline): Uncertain significance (1 of 4 stars; one submission).

Conditions:
Inborn genetic diseases. Identifiers: MedGen C0950123, MeSH D030342.

gnomAD v4.1: 1 of 1,561,586 alleles (0.000064%); highest among the groups gnomAD compares: Non-Finnish European, 0.000087%; no homozygotes.

Submission:

Ambry Genetics
Classification: Uncertain significance for Inborn genetic diseases. Last evaluated: 2026-07-02. Review status: criteria provided, single submitter. Criteria: Ambry Variant Classification Scheme 2023. Collection method: clinical testing. Allele origin: germline.
Comment: The p.T124A variant (also known as c.370A>G), located in coding exon 2 of the GATA2 gene, results from an A to G substitution at nucleotide position 370. The threonine at codon 124 is replaced by alanine, an amino acid with similar properties. This amino acid position is conserved. In addition, this alteration is predicted to be tolerated by in silico analysis. Based on the available evidence, the clinical significance of this variant remains unclear.

NM_032638.5(GATA2):c.370A>G (p.Thr124Ala)

Gene: GATA2 (GATA binding protein 2; minus strand). Cytogenetic location: 3q21.3.
Variant type: single nucleotide variant.
Coding change: c.370A>G on transcript NM_032638.5 (MANE Select); coding-DNA position 370, A replaced by G.
Protein change: p.Thr124Ala; replaces threonine 124 with alanine.
Molecular consequence: missense variant.
Genome position (GRCh38, 1-based): chr3:128,486,228, T>C on the plus strand (A>G on the coding strand, the complement: GATA2 is on the minus strand). VCF-style: chr3-128486228-T-C. GRCh37 (hg19) VCF-style: chr3-128205071-T-C.
Other names: c.370A>G, p.Thr124Ala (NM_001145661.2, NM_001145662.1); short protein forms T124A.
Identifiers: ClinVar variation 5022176 (VCV005022176.1).
Genomic context (GRCh38, chr3:128,486,228, plus strand): 5'-CCCCTGGGTACACAGAGAGTGGGCCTCCAGGGCCTCCAGCAGCTGAGGGGTGCAGTGGCG[T>C]CTTGGAGAAGGGGCTCACGGTCCAGGGGTTGTGGTGGTGGGCCGCAGCGGCAGAGAGGGC-3'
Protein context (NP_116027.2, residues 114-134): NPWTVSPFSK[Thr124Ala]PLHPSAAGGP